The following is an entry in ClinVar:

ClinVar aggregate classification (germline): Uncertain significance. Review status: criteria provided, multiple submitters, no conflicts (2 of 4 stars). 2 submissions from 2 submitters: Uncertain significance (2). Last evaluated 2024-06-06.

Conditions:
Sucrase-isomaltase deficiency (CSID). Also called: Deficiency of isomaltase; Congenital sucrose isomaltose malabsorption; Sucrose isomaltose enzyme deficiency; SI DEFICIENCY. Identifiers: Orphanet 35122, MedGen C1283620, MONDO:0009114, OMIM 222900.

Allele frequency attached by ClinVar (database versions not stated): 1000 Genomes Project 0.00040; 1000 Genomes Project 30x 0.00047.
gnomAD v4.1: 54 of 1,585,664 alleles (0.0034%); highest among the groups gnomAD compares: African/African-American, 0.011%; no homozygotes.

Submissions (2):

Fulgent Genetics
Classification: Uncertain significance for Sucrase-isomaltase deficiency. Last evaluated: 2024-06-06. Review status: criteria provided, single submitter. Criteria: ACMG Guidelines, 2015. Collection method: clinical testing. Allele origin: germline.

Labcorp Genetics (formerly Invitae), Labcorp
Classification: Uncertain significance. Last evaluated: 2021-12-24. Review status: criteria provided, single submitter. Criteria: Invitae Variant Classification Sherloc (09022015). Collection method: clinical testing. Allele origin: germline.
Comment: This sequence change falls in intron 41 of the SI gene. It does not directly change the encoded amino acid sequence of the SI protein. It affects a nucleotide within the consensus splice site. This variant is present in population databases (rs112107483, gnomAD 0.03%). This variant has not been reported in the literature in individuals affected with SI-related conditions. Variants that disrupt the consensus splice site are a relatively common cause of aberrant splicing (PMID: 17576681, 9536098). Algorithms developed to predict the effect of sequence changes on RNA splicing suggest that this variant is not likely to affect RNA splicing. In summary, the available evidence is currently insufficient to determine the role of this variant in disease. Therefore, it has been classified as a Variant of Uncertain Significance.

Literature cited by the submitters: PubMed 17576681 (cited by Labcorp Genetics (formerly Invitae), Labcorp); PubMed 9536098 (cited by Labcorp Genetics (formerly Invitae), Labcorp).

NM_001041.4(SI):c.4842-3G>A

Gene: SI (sucrase-isomaltase; minus strand). Cytogenetic location: 3q26.1.
Variant type: single nucleotide variant.
Coding change: c.4842-3G>A on transcript NM_001041.4 (MANE Select); 3 bases into the intron before coding-DNA position 4842, G replaced by A.
Molecular consequence: intron variant.
Genome position (GRCh38, 1-based): chr3:164,992,400, C>T on the plus strand (G>A on the coding strand, the complement: SI is on the minus strand). VCF-style: chr3-164992400-C-T. GRCh37 (hg19) VCF-style: chr3-164710188-C-T.
Identifiers: ClinVar variation 1367857 (VCV001367857.5), dbSNP rs112107483, ClinGen allele CA2689764.